The following is an entry in ClinVar:

NM_001020658.2(PUM1):c.896C>A (p.Pro299His)

Gene: PUM1 (pumilio RNA binding family member 1; minus strand). Cytogenetic location: 1p35.2.
Variant type: single nucleotide variant.
Coding change: c.896C>A on transcript NM_001020658.2 (MANE Select); coding-DNA position 896, C replaced by A.
Protein change: p.Pro299His; replaces proline 299 with histidine.
Molecular consequence: missense variant.
Genome position (GRCh38, 1-based): chr1:30,992,652, G>T on the plus strand (C>A on the coding strand, the complement: PUM1 is on the minus strand). VCF-style: chr1-30992652-G-T. GRCh37 (hg19) VCF-style: chr1-31465499-G-T.
Other names: c.896C>A, p.Pro299His (NM_014676.3); short protein forms P299H.
Identifiers: ClinVar variation 1199218 (VCV001199218.4), dbSNP rs1641834551, ClinGen allele CA339569411.

ClinVar aggregate classification (germline): Uncertain significance (1 of 4 stars; one submission).

Conditions:
Spinocerebellar ataxia 47 (NEDMSF). Also called: neurodevelopmental disorder with motor abnormalities, seizures, and facial dysmorphism; PADDAS SYNDROME. Identifiers: Orphanet 642747, MedGen C4693672, MONDO:0033482, OMIM 620719.

Allele frequency attached by ClinVar (database versions not stated): TOPMed below 0.00001.

Submission:

Illumina Laboratory Services, Illumina
Classification: Uncertain significance. Last evaluated: 2020-12-03. Review status: criteria provided, single submitter. Criteria: ICSLVariantClassificationCriteria RUGD 01 April 2020. Collection method: clinical testing. Allele origin: unknown.
Comment: The PUM1 c.896C>A (p.Pro299His) variant is a missense variant. A literature search was performed for the gene, cDNA change, and amino acid change. No publications were found based on this search. The p.Pro299His variant is not reported in the Genome Aggregation Database in a region of good sequence coverage, so the variant is presumed to be rare. Based on the limited evidence, the p.Pro299His variant is classified as a variant of uncertain significance for spinocerebellar ataxia 47.